The following is an entry in ClinVar:

ClinVar aggregate classification (germline): Uncertain significance (1 of 4 stars; one submission).

Conditions:
Holoprosencephaly 9 (HPE9). Also called: PITUITARY ANOMALIES WITH HOLOPROSENCEPHALY-LIKE FEATURES; HOLOPROSENCEPHALY WITH MICROPHTHALMIA AND FIRST BRANCHIAL ARCH ANOMALIES. Identifiers: Orphanet 2162, MedGen C1835819, MONDO:0012563, OMIM 610829.
Postaxial polydactyly-anterior pituitary anomalies-facial dysmorphism syndrome. Also called: Culler-Jones syndrome. Identifiers: Orphanet 420584, MedGen C4014479, MONDO:0014369, OMIM 615849.

Allele frequency attached by ClinVar (database versions not stated): gnomAD exomes below 0.00001; gnomAD 0.00001; TOPMed 0.00001.
gnomAD v4.1: 4 of 1,613,692 alleles (0.00025%); highest among the groups gnomAD compares: East Asian, 0.0045%; no homozygotes.

Submission:

Labcorp Genetics (formerly Invitae), Labcorp
Classification: Uncertain significance for Postaxial polydactyly-anterior pituitary anomalies-facial dysmorphism syndrome; Holoprosencephaly 9. Last evaluated: 2023-03-26. Review status: criteria provided, single submitter. Criteria: Invitae Variant Classification Sherloc (09022015). Collection method: clinical testing. Allele origin: germline.
Comment: In summary, the available evidence is currently insufficient to determine the role of this variant in disease. Therefore, it has been classified as a Variant of Uncertain Significance. An algorithm developed to predict the effect of missense changes on protein structure and function (PolyPhen-2) suggests that this variant is likely to be tolerated. This variant has not been reported in the literature in individuals affected with GLI2-related conditions. This variant is present in population databases (no rsID available, gnomAD 0.01%). This sequence change replaces serine, which is neutral and polar, with cysteine, which is neutral and slightly polar, at codon 1471 of the GLI2 protein (p.Ser1471Cys).

NM_001374353.1(GLI2):c.4361C>G (p.Ser1454Cys)

Gene: GLI2 (GLI family zinc finger 2; plus strand). Cytogenetic location: 2q14.2.
Variant type: single nucleotide variant.
Coding change: c.4361C>G on transcript NM_001374353.1 (MANE Select); coding-DNA position 4361, C replaced by G.
Protein change: p.Ser1454Cys; replaces serine 1454 with cysteine.
Molecular consequence: missense variant.
Genome position (GRCh38, 1-based): chr2:120,990,326, C>G. VCF-style: chr2-120990326-C-G. GRCh37 (hg19) VCF-style: chr2-121747902-C-G.
Other names: c.4412C>G, p.Ser1471Cys (NM_001371271.1, NM_005270.5); c.3986C>G, p.Ser1329Cys (NM_001374354.1); short protein forms S1471C, S1329C, S1454C.
Identifiers: ClinVar variation 2923304 (VCV002923304.3), dbSNP rs867501490, ClinGen allele CA348179624.